The following is an entry in ClinVar:

NM_080424.4(SP110):c.70G>A (p.Ala24Thr)

Genes: SP110 (SP110 nuclear body protein; minus strand), SP140 (SP140 nuclear body protein; plus strand). Cytogenetic location: 2q37.1.
Variant type: single nucleotide variant.
Coding change: c.70G>A on transcript NM_080424.4 (MANE Select); coding-DNA position 70, G replaced by A.
Protein change: p.Ala24Thr; replaces alanine 24 with threonine.
Molecular consequence: missense variant.
Genome position (GRCh38, 1-based): chr2:230,216,858, C>T on the plus strand (G>A on the coding strand, the complement: SP110 is on the minus strand). VCF-style: chr2-230216858-C-T. GRCh37 (hg19) VCF-style: chr2-231081573-C-T.
Other names: c.88G>A, p.Ala30Thr (NM_001185015.2, NM_001378442.1, NM_001378444.1 and 2 more transcripts); c.70G>A, p.Ala24Thr (NM_001378443.1, NM_001378447.1, NM_004509.5 and 1 more transcripts); short protein forms A24T, A30T.
Identifiers: ClinVar variation 3618651 (VCV003618651.2).
Genomic context (GRCh38, chr2:230,216,858, plus strand): 5'-TGATGATGGAGTTGTCTAGGAGGCCTTCAAAGAAGGGAAATGGCTTGTGTATGGCATAGG[C>T]GATCCCCAGCTTCTGGTGCATGAAGTGCTGAAAAAGAGCCTCTTCCATGGCTCTTGTCAT-3'
Protein context (NP_536349.3, residues 14-34): QHFMHQKLGI[Ala24Thr]YAIHKPFPFF

ClinVar aggregate classification (germline): Uncertain significance (1 of 4 stars; one submission).

Conditions:
Hepatic veno-occlusive disease-immunodeficiency syndrome. Also called: Hepatic Veno-Occlusive Disease with Immunodeficiency. Identifiers: Orphanet 79124, MedGen C1856128, MONDO:0009338, OMIM 235550. Disease mechanism: loss of function.

gnomAD v4.1: 8 of 1,613,944 alleles (0.0005%); highest among the groups gnomAD compares: South Asian, 0.0033%; no homozygotes.

Submission:

Labcorp Genetics (formerly Invitae), Labcorp
Classification: Uncertain significance for Hepatic veno-occlusive disease-immunodeficiency syndrome. Last evaluated: 2024-02-09. Review status: criteria provided, single submitter. Criteria: Invitae Variant Classification Sherloc (09022015). Collection method: clinical testing. Allele origin: germline.
Comment: This sequence change replaces alanine, which is neutral and non-polar, with threonine, which is neutral and polar, at codon 24 of the SP110 protein (p.Ala24Thr). This variant is present in population databases (rs749677712, gnomAD 0.006%). This variant has not been reported in the literature in individuals affected with SP110-related conditions. An algorithm developed to predict the effect of missense changes on protein structure and function (PolyPhen-2) suggests that this variant is likely to be disruptive. In summary, the available evidence is currently insufficient to determine the role of this variant in disease. Therefore, it has been classified as a Variant of Uncertain Significance.